The following is an entry in ClinVar:

ClinVar aggregate classification (germline): Uncertain significance (1 of 4 stars; one submission).

Submission:

GeneDx
Classification: Uncertain significance. Last evaluated: 2019-05-24. Review status: criteria provided, single submitter. Criteria: GeneDx Variant Classification Process June 2021. Collection method: clinical testing. Allele origin: germline. Affected: yes.
Comment: Not observed in large population cohorts (Lek et al., 2016); In silico analysis, which includes protein predictors and evolutionary conservation, supports a deleterious effect; Has not been previously published as pathogenic or benign to our knowledge

NM_022455.5(NSD1):c.5827G>A (p.Glu1943Lys)

Gene: NSD1 (nuclear receptor binding SET domain protein 1; plus strand). Cytogenetic location: 5q35.3.
Variant type: single nucleotide variant.
Coding change: c.5827G>A on transcript NM_022455.5 (MANE Select); coding-DNA position 5827, G replaced by A.
Protein change: p.Glu1943Lys; replaces glutamic acid 1943 with lysine.
Molecular consequence: missense variant.
Genome position (GRCh38, 1-based): chr5:177,280,769, G>A. VCF-style: chr5-177280769-G-A. GRCh37 (hg19) VCF-style: chr5-176707770-G-A.
Other names: c.4954G>A, p.Glu1652Lys (NM_001365684.2, NM_001409308.1, NM_001409309.1 and 1 more transcripts); c.5827G>A, p.Glu1943Lys (NM_001409301.1, NM_001409302.1, NM_001409303.1); c.5407G>A, p.Glu1803Lys (NM_001409304.1); c.5074G>A, p.Glu1692Lys (NM_001409305.1); c.5065G>A, p.Glu1689Lys (NM_001409306.1, NM_001409307.1); short protein forms E1674K, E1943K, E1689K, E1692K, E1652K, E1803K.
Identifiers: ClinVar variation 1305760 (VCV001305760.2), dbSNP rs2127257497, ClinGen allele CA362313564.